The following is an entry in ClinVar:

NM_001042492.3(NF1):c.164T>A (p.Ile55Lys)

Gene: NF1 (neurofibromin 1; plus strand). Cytogenetic location: 17q11.2.
Variant type: single nucleotide variant.
Coding change: c.164T>A on transcript NM_001042492.3 (MANE Select); coding-DNA position 164, T replaced by A.
Protein change: p.Ile55Lys; replaces isoleucine 55 with lysine.
Molecular consequence: missense variant.
Genome position (GRCh38, 1-based): chr17:31,156,086, T>A. VCF-style: chr17-31156086-T-A. GRCh37 (hg19) VCF-style: chr17-29483104-T-A.
Other names: c.164T>A, p.Ile55Lys (NM_000267.4, NM_001128147.3); short protein forms I55K.
Identifiers: ClinVar variation 964155 (VCV000964155.7), dbSNP rs2065657050, ClinGen allele CA398988576.

ClinVar aggregate classification (germline): Uncertain significance (1 of 4 stars; one submission).
ClinVar aggregate classification (somatic clinical impact): Tier II - Potential (1 of 4 stars; one submission).

Conditions:
Neurofibromatosis, type 1 (NF1). Also called: Peripheral type neurofibromatosis; VON RECKLINGHAUSEN DISEASE; NEUROFIBROMATOSIS, TYPE I, SOMATIC; Neurofibromatosis, type I. Identifiers: Orphanet 636, MedGen C0027831, MONDO:0018975, OMIM 162200. Disease mechanism: loss of function.
Dysembryoplastic neuroepithelial tumor. Identifiers: Orphanet 251946, MedGen C1266177, MONDO:0005505, HP:0033703.

Submissions (2):

Institute for Genomic Medicine (IGM) Clinical Laboratory, Nationwide Children's Hospital
Classification: Tier II - Potential for Dysembryoplastic neuroepithelial tumor. Assertion type: diagnostic. Clinical significance: supports diagnosis. Last evaluated: 2025-02-17. Review status: criteria provided, single submitter. Criteria: AMP/ASCO/CAP Guidelines, 2017. Collection method: clinical testing. Allele origin: somatic. Affected: yes.
Comment: Variant has Tier II (potential) clinical significance as a diagnostic inclusion criterion in dysembryoplastic neuroepithelial tumor, based on the following evidence: 1) Appears in one or more well-established professional guidelines (e.g., World Health Organization [WHO]; National Comprehensive Cancer Network [NCCN]) as providing diagnostic, prognostic, or therapeutic information. 2) Diagnostic significance based on multiple small studies (Evidence Level C; PMIDs: 26810070, 31617914, 23583981).

Labcorp Genetics (formerly Invitae), Labcorp
Classification: Uncertain significance for Neurofibromatosis, type 1. Last evaluated: 2022-02-18. Review status: criteria provided, single submitter. Criteria: Invitae Variant Classification Sherloc (09022015). Collection method: clinical testing. Allele origin: germline.
Comment: This sequence change replaces isoleucine, which is neutral and non-polar, with lysine, which is basic and polar, at codon 55 of the NF1 protein (p.Ile55Lys). This variant is not present in population databases (gnomAD no frequency). This variant has not been reported in the literature in individuals affected with NF1-related conditions. ClinVar contains an entry for this variant (Variation ID: 964155). Advanced modeling of protein sequence and biophysical properties (such as structural, functional, and spatial information, amino acid conservation, physicochemical variation, residue mobility, and thermodynamic stability) performed at Invitae indicates that this missense variant is expected to disrupt NF1 protein function. In summary, the available evidence is currently insufficient to determine the role of this variant in disease. Therefore, it has been classified as a Variant of Uncertain Significance.

Literature cited by the submitters: PubMed 26810070 (cited by Institute for Genomic Medicine (IGM) Clinical Laboratory, Nationwide Children's Hospital); PubMed 31617914 (cited by Institute for Genomic Medicine (IGM) Clinical Laboratory, Nationwide Children's Hospital); PubMed 23583981 (cited by Institute for Genomic Medicine (IGM) Clinical Laboratory, Nationwide Children's Hospital).